The following is an entry in ClinVar:

ClinVar aggregate classification (germline): Likely benign. Review status: criteria provided, multiple submitters, no conflicts (2 of 4 stars). 2 submissions from 2 submitters: Likely benign (2). Last evaluated 2024-05-01.

Conditions:
FMN2-related disorder. Also called: FMN2-related condition.

Submissions (2):

CeGaT Center for Human Genetics Tuebingen
Classification: Likely benign. Last evaluated: 2024-05-01. Review status: criteria provided, single submitter. Criteria: CeGaT Center For Human Genetics Tuebingen Variant Classification Criteria Version 2. Collection method: clinical testing. Allele origin: germline. Affected: yes. Observed: 1 variant allele.
Comment: FMN2: PM2:Supporting, BP4, BP7

PreventionGenetics, part of Exact Sciences
Classification: Likely benign for FMN2-related condition. Last evaluated: 2021-02-03. Review status: criteria provided, single submitter. Criteria: ACMG Guidelines, 2015. Collection method: clinical testing. Allele origin: germline.
Comment: This variant is classified as likely benign based on ACMG/AMP sequence variant interpretation guidelines (Richards et al. 2015 PMID: 25741868, with internal and published modifications).

NM_020066.5(FMN2):c.3204T>A (p.Pro1068=)

Gene: FMN2 (formin 2; plus strand). Cytogenetic location: 1q43.
Variant type: single nucleotide variant.
Coding change: c.3204T>A on transcript NM_020066.5 (MANE Select); coding-DNA position 3204, T replaced by A.
Protein change: p.Pro1068=; no amino-acid change (proline 1068 retained).
Molecular consequence: synonymous variant. On other transcripts: intron variant (1).
Genome position (GRCh38, 1-based): chr1:240,208,016, T>A. VCF-style: chr1-240208016-T-A. GRCh37 (hg19) VCF-style: chr1-240371316-T-A.
Other names: c.3216T>A, p.Pro1072= (NM_001305424.2); c.1986+19754T>A (NM_001348094.2).
Identifiers: ClinVar variation 3031457 (VCV003031457.20), dbSNP rs1572063933, ClinGen allele CA424385555.